The following is an entry in ClinVar:

NM_000525.4(KCNJ11):c.-218del

Gene: KCNJ11 (potassium inwardly rectifying channel subfamily J member 11; minus strand). Cytogenetic location: 11p15.1.
Variant type: Deletion.
Coding change: c.-218del on transcript NM_000525.4 (MANE Select); 218 bases upstream of the start codon, one base deleted (G; older notation c.-218delG).
Molecular consequence: 5 prime UTR variant. On other transcripts: intron variant (3).
Genome position (GRCh38, 1-based): chr11:17,388,309, C deleted on the plus strand (G on the coding strand, the reverse complement: KCNJ11 is on the minus strand). VCF-style (leftmost placement, unchanged base first): chr11-17388308-GC-G. GRCh37 (hg19) VCF-style: chr11-17409855-GC-G.
Other names: c.-16-463del (NM_001166290.2, NM_001377297.1); c.-75-233del (NM_001377296.1).
Identifiers: ClinVar variation 5007823 (VCV005007823.2).

ClinVar aggregate classification (germline): Uncertain significance (1 of 4 stars; one submission).

Conditions:
Diabetes mellitus, permanent neonatal 2. Also called: KCNJ11-Related Permanent Neonatal Diabetes Mellitus. Identifiers: MedGen C5394296, MONDO:0030087, OMIM 618856.
Hyperinsulinemic hypoglycemia, familial, 2. Also called: HYPERINSULINEMIC HYPOGLYCEMIA, PERSISTENT; HYPERINSULINISM, NEONATAL. Identifiers: Orphanet 276580, Orphanet 276603, MedGen C2931833, MONDO:0011153, OMIM 601820. Disease mechanism: loss of function.
Maturity-onset diabetes of the young type 13. Also called: MODY, TYPE 13. Identifiers: Orphanet 552, MedGen C4225365, MONDO:0014589, OMIM 616329.
Diabetes mellitus, transient neonatal, 3 (TNDM3). Identifiers: Orphanet 99886, MedGen C1864623, MONDO:0012522, OMIM 610582. Disease mechanism: loss of function.

Submission:

Juno Genomics, Hangzhou Juno Genomics, Inc
Classification: Uncertain significance for Diabetes mellitus, transient neonatal, 3; Diabetes mellitus, permanent neonatal 2; Hyperinsulinemic hypoglycemia, familial, 2; Maturity-onset diabetes of the young type 13. Review status: criteria provided, single submitter. Criteria: ACMG Guidelines, 2015. Collection method: clinical testing. Allele origin: germline.
Comment: Absent from controls (or at extremely low frequency if recessive) in Genome Aggregation Database.